The following is an entry in ClinVar:

NM_001267550.2(TTN):c.22293_22303del (p.Val7432fs)

Gene: TTN (titin; minus strand). Cytogenetic location: 2q31.2.
Variant type: Deletion.
Coding change: c.22293_22303del on transcript NM_001267550.2 (MANE Select); coding-DNA positions 22293 to 22303, 11 bases deleted (TGTGGGGTTAC).
Protein change: p.Val7432fs; shifts the reading frame from valine 7432.
Molecular consequence: frameshift variant. On other transcripts: intron variant (3).
Genome position (GRCh38, 1-based): chr2:178,722,484-178,722,494, GTAACCCCACA deleted on the plus strand (TGTGGGGTTAC on the coding strand, the reverse complement: TTN is on the minus strand); deleting any 11 consecutive bases within chr2:178,722,484-178,722,496 gives the same sequence; the c. name uses the placement nearest the transcript's 3' end. VCF-style (leftmost placement, unchanged base first): chr2-178722483-GGTAACCCCACA-G. GRCh37 (hg19) VCF-style: chr2-179587210-GGTAACCCCACA-G.
Other names: c.21342_21352del, p.Val7115fs (NM_001256850.1); c.18561_18571del, p.Val6188fs (NM_133378.4); c.13282+15588_13282+15598del (NM_003319.4); c.13858+15588_13858+15598del (NM_133437.4); c.13657+15588_13657+15598del (NM_133432.3); c.22293_22303delTGTGGGGTTAC (NM_001267550.2); short protein forms V7432fs, V6188fs, V7115fs.
Identifiers: ClinVar variation 581145 (VCV000581145.9), dbSNP rs1560692247, ClinGen allele CA891843089.

ClinVar aggregate classification (germline): Likely pathogenic (1 of 4 stars; one submission).

Conditions:
Dilated cardiomyopathy 1G (CMD1G). Identifiers: Orphanet 154, MedGen C1858763, MONDO:0011400, OMIM 604145.
Autosomal recessive limb-girdle muscular dystrophy type 2J (LGMDR10). Also called: Limb-girdle muscular dystrophy, type 2J; MUSCULAR DYSTROPHY, LIMB-GIRDLE, AUTOSOMAL RECESSIVE 10. Identifiers: Orphanet 140922, MedGen C1837342, MONDO:0012127, OMIM 608807.

Submission:

Labcorp Genetics (formerly Invitae), Labcorp
Classification: Likely pathogenic for Dilated cardiomyopathy 1G; Autosomal recessive limb-girdle muscular dystrophy type 2J. Last evaluated: 2024-10-18. Review status: criteria provided, single submitter. Criteria: Invitae Variant Classification Sherloc (09022015). Collection method: clinical testing. Allele origin: germline.
Comment: This sequence change creates a premature translational stop signal (p.Val7432Cysfs*19) in the TTN gene. While this is not anticipated to result in nonsense mediated decay, it is expected to create a truncated TTN protein. This variant is not present in population databases (gnomAD no frequency). This variant has not been reported in the literature in individuals affected with TTN-related conditions. ClinVar contains an entry for this variant (Variation ID: 581145). This variant is located in the I band of TTN (PMID: 25589632). Truncating variants in this region have been reported in individuals affected with autosomal recessive centronuclear myopathy (PMID: 23975875, internal data). Truncating variants in this region have also been identified in individuals affected with autosomal dominant dilated cardiomyopathy and/or cardio-related conditions (PMID: 27869827, 32964742, internal data). In summary, the currently available evidence indicates that the variant is pathogenic, but additional data are needed to prove that conclusively. Therefore, this variant has been classified as Likely Pathogenic.

Literature cited by the submitters: PubMed 25589632; PubMed 23975875; PubMed 27869827; PubMed 32964742.